The following is an entry in ClinVar:

NM_003982.4(SLC7A7):c.699C>T (p.Tyr233=)

Gene: SLC7A7 (solute carrier family 7 member 7; minus strand). Cytogenetic location: 14q11.2.
Variant type: single nucleotide variant.
Coding change: c.699C>T on transcript NM_003982.4 (MANE Select); coding-DNA position 699, C replaced by T.
Protein change: p.Tyr233=; no amino-acid change (tyrosine 233 retained).
Molecular consequence: synonymous variant.
Genome position (GRCh38, 1-based): chr14:22,778,864, G>A on the plus strand (C>T on the coding strand, the complement: SLC7A7 is on the minus strand). VCF-style: chr14-22778864-G-A. GRCh37 (hg19) VCF-style: chr14-23248073-G-A.
Other names: p.Tyr233=; c.699C>T (NM_001126106.2); c.699C>T, p.Tyr233= (NM_001126105.3, NM_001126106.4).
Identifiers: ClinVar variation 1078031 (VCV001078031.10), dbSNP rs767657396, ClinGen allele CA257728173.

ClinVar aggregate classification (germline): Likely benign. Review status: criteria provided, multiple submitters, no conflicts (2 of 4 stars). 2 submissions from 2 submitters: Likely benign (2). Last evaluated 2025-02-26.

Conditions:
Lysinuric protein intolerance (LPI). Identifiers: Orphanet 470, MedGen C0268647, MONDO:0009109, OMIM 222700.

Allele frequency attached by ClinVar (database versions not stated): TOPMed below 0.00001; gnomAD 0.00001; gnomAD exomes 0.00001.
gnomAD v4.1: 10 of 1,614,062 alleles (0.00062%); highest among the groups gnomAD compares: Non-Finnish European, 0.00085%; no homozygotes.

Submissions (2):

Mayo Clinic Laboratories, Mayo Clinic
Classification: Likely benign. Last evaluated: 2025-02-26. Review status: criteria provided, single submitter. Criteria: ACMG Guidelines, 2015. Collection method: clinical testing. Allele origin: germline. Observed: 1 variant allele.
Comment: BP4, BP7

Labcorp Genetics (formerly Invitae), Labcorp
Classification: Likely benign for Lysinuric protein intolerance. Last evaluated: 2024-01-04. Review status: criteria provided, single submitter. Criteria: Invitae Variant Classification Sherloc (09022015). Collection method: clinical testing. Allele origin: germline.